The following is an entry in ClinVar:

NM_002900.3(RBP3):c.3085A>G (p.Ile1029Val)

Gene: RBP3 (retinol binding protein 3; plus strand). Cytogenetic location: 10q11.22.
Variant type: single nucleotide variant.
Coding change: c.3085A>G on transcript NM_002900.3 (MANE Select); coding-DNA position 3085, A replaced by G.
Protein change: p.Ile1029Val; replaces isoleucine 1029 with valine.
Molecular consequence: missense variant.
Genome position (GRCh38, 1-based): chr10:47,353,355, A>G. VCF-style: chr10-47353355-A-G. GRCh37 (hg19) VCF-style: chr10-48386007-T-C.
Other names: c.3085A>G (NM_002900.2); short protein forms I1029V.
Identifiers: ClinVar variation 1016095 (VCV001016095.7), dbSNP rs149900201, ClinGen allele CA5487137.
Genomic context (GRCh38, chr10:47,353,355, plus strand): 5'-GACACTGAGTAGGACCTCCAACTCTTACAGATCCCTTCCCCTGAAGTATTTGAAGAGCTG[A>G]TCAAGTTTTCCTTCCACACTAACGTGCTTGAGGACAACATTGGCTACTTGAGGTTTGACA-3'
Protein context (NP_002891.1, residues 1019-1039): IPSPEVFEEL[Ile1029Val]KFSFHTNVLE

ClinVar aggregate classification (germline): Uncertain significance. Review status: criteria provided, multiple submitters, no conflicts (2 of 4 stars). 3 submissions from 3 submitters: Uncertain significance (3). Last evaluated 2025-11-25.

Conditions:
Inborn genetic diseases. Identifiers: MedGen C0950123, MeSH D030342.

Allele frequency attached by ClinVar (database versions not stated): TOPMed 0.00001; ExAC 0.00002; gnomAD exomes 0.00002; gnomAD 0.00003; ESP Exome Variant Server 0.00008.
gnomAD v4.1: 35 of 1,613,976 alleles (0.0022%); highest among the groups gnomAD compares: African/African-American, 0.0027%; no homozygotes.

Submissions (3):

Ambry Genetics
Classification: Uncertain significance for Inborn genetic diseases. Last evaluated: 2025-11-25. Review status: criteria provided, single submitter. Criteria: Ambry Variant Classification Scheme 2023. Collection method: clinical testing. Allele origin: germline.

Labcorp Genetics (formerly Invitae), Labcorp
Classification: Uncertain significance. Last evaluated: 2024-10-24. Review status: criteria provided, single submitter. Criteria: Invitae Variant Classification Sherloc (09022015). Collection method: clinical testing. Allele origin: germline.
Comment: This sequence change replaces isoleucine, which is neutral and non-polar, with valine, which is neutral and non-polar, at codon 1029 of the RBP3 protein (p.Ile1029Val). This variant is present in population databases (rs149900201, gnomAD 0.006%). This variant has not been reported in the literature in individuals affected with RBP3-related conditions. ClinVar contains an entry for this variant (Variation ID: 1016095). Invitae Evidence Modeling of protein sequence and biophysical properties (such as structural, functional, and spatial information, amino acid conservation, physicochemical variation, residue mobility, and thermodynamic stability) indicates that this missense variant is not expected to disrupt RBP3 protein function with a negative predictive value of 80%. In summary, the available evidence is currently insufficient to determine the role of this variant in disease. Therefore, it has been classified as a Variant of Uncertain Significance.

Blueprint Genetics
Classification: Uncertain significance. Last evaluated: 2024-08-27. Review status: criteria provided, single submitter. Criteria: ACMG Guidelines, 2015. Collection method: clinical testing. Allele origin: germline.